The following is an entry in ClinVar:

NM_004714.3(DYRK1B):c.1095+10C>T

Gene: DYRK1B (dual specificity tyrosine phosphorylation regulated kinase 1B; minus strand). Cytogenetic location: 19q13.2.
Variant type: single nucleotide variant.
Coding change: c.1095+10C>T on transcript NM_004714.3 (MANE Select); 10 bases into the intron after coding-DNA position 1095, C replaced by T.
Molecular consequence: intron variant.
Genome position (GRCh38, 1-based): chr19:39,827,275, G>A on the plus strand (C>T on the coding strand, the complement: DYRK1B is on the minus strand). VCF-style: chr19-39827275-G-A. GRCh37 (hg19) VCF-style: chr19-40317915-G-A.
Other names: c.1095+10C>T (NM_006483.3, NM_006484.3).
Identifiers: ClinVar variation 3346242 (VCV003346242.1).
Genomic context (GRCh38, chr19:39,827,275, plus strand): 5'-GGGGGAGAGAGCCCCAAGTGTGAGTGAGGGGCCACGGGGTGGGAGGAGTGGCATGGGGCA[G>A]GGGCCGCACCTTCCTGAGTTCTTTCGTCCTTCGTAGGGTCCAGCCACCCCCAGGCAGCCG-3'

ClinVar aggregate classification (germline): Likely benign (0 of 4 stars; one submission).

Conditions:
DYRK1B-related disorder. Also called: DYRK1B-related condition.

gnomAD v4.1: 7 of 1,603,316 alleles (0.00044%); highest among the groups gnomAD compares: South Asian, 0.0022%; no homozygotes.

Submission:

PreventionGenetics, part of Exact Sciences
Classification: Likely benign for DYRK1B-related condition. Last evaluated: 2024-08-07. Review status: no assertion criteria provided. Collection method: clinical testing. Allele origin: germline.
Comment: This variant is classified as likely benign based on ACMG/AMP sequence variant interpretation guidelines (Richards et al. 2015 PMID: 25741868, with internal and published modifications).